The following is an entry in ClinVar:

NC_000012.12:g.40416346A>G

Gene: MUC19 (mucin 19, oligomeric (gene/pseudogene); plus strand). Cytogenetic location: 12q12.
Variant type: single nucleotide variant.
Genome position: GRCh38 VCF-style: chr12-40416346-A-G. GRCh37 (hg19) VCF-style: chr12-40810148-A-G.
Identifiers: ClinVar variation 2642857 (VCV002642857.24), dbSNP rs369743721, ClinGen allele CA6515124.

ClinVar aggregate classification (germline): Likely benign (1 of 4 stars; one submission).

Submission:

CeGaT Center for Human Genetics Tuebingen
Classification: Likely benign. Last evaluated: 2022-06-01. Review status: criteria provided, single submitter. Criteria: CeGaT Center For Human Genetics Tuebingen Variant Classification Criteria Version 2. Collection method: clinical testing. Allele origin: germline. Affected: yes. Observed: 1 variant allele.
Comment: MUC19: BP4, BP7